The following is an entry in ClinVar:

NM_001369.3(DNAH5):c.8182A>G (p.Asn2728Asp)

Gene: DNAH5 (dynein axonemal heavy chain 5; minus strand). Cytogenetic location: 5p15.2.
Variant type: single nucleotide variant.
Coding change: c.8182A>G on transcript NM_001369.3 (MANE Select); coding-DNA position 8182, A replaced by G.
Protein change: p.Asn2728Asp; replaces asparagine 2728 with aspartic acid.
Molecular consequence: missense variant.
Genome position (GRCh38, 1-based): chr5:13,793,557, T>C on the plus strand (A>G on the coding strand, the complement: DNAH5 is on the minus strand). VCF-style: chr5-13793557-T-C. GRCh37 (hg19) VCF-style: chr5-13793666-T-C.
Other names: short protein forms N2728D.
Identifiers: ClinVar variation 3703705 (VCV003703705.2).

ClinVar aggregate classification (germline): Uncertain significance (1 of 4 stars; one submission).

Conditions:
Primary ciliary dyskinesia. Also called: Ciliary dyskinesia. Identifiers: Orphanet 244, MedGen C0008780, MONDO:0016575, HP:0012265.

Submission:

Labcorp Genetics (formerly Invitae), Labcorp
Classification: Uncertain significance for Primary ciliary dyskinesia. Last evaluated: 2025-02-04. Review status: criteria provided, single submitter. Criteria: Invitae Variant Classification Sherloc (09022015). Collection method: clinical testing. Allele origin: germline.
Comment: This sequence change replaces asparagine, which is neutral and polar, with aspartic acid, which is acidic and polar, at codon 2728 of the DNAH5 protein (p.Asn2728Asp). This variant is not present in population databases (gnomAD no frequency). This variant has not been reported in the literature in individuals affected with DNAH5-related conditions. Invitae Evidence Modeling of protein sequence and biophysical properties (such as structural, functional, and spatial information, amino acid conservation, physicochemical variation, residue mobility, and thermodynamic stability) indicates that this missense variant is not expected to disrupt DNAH5 protein function with a negative predictive value of 95%. In summary, the available evidence is currently insufficient to determine the role of this variant in disease. Therefore, it has been classified as a Variant of Uncertain Significance.